The following is an entry in ClinVar:

ClinVar aggregate classification (germline): Uncertain significance (1 of 4 stars; one submission).

Submission:

CeGaT Center for Human Genetics Tuebingen
Classification: Uncertain significance. Last evaluated: 2023-03-01. Review status: criteria provided, single submitter. Criteria: CeGaT Center For Human Genetics Tuebingen Variant Classification Criteria Version 2. Collection method: clinical testing. Allele origin: germline. Affected: yes. Observed: 1 variant allele.
Comment: FGG: PM2

NM_021870.3(FGG):c.866C>T (p.Ala289Val)

Gene: FGG (fibrinogen gamma chain; minus strand). Cytogenetic location: 4q32.1.
Variant type: single nucleotide variant.
Coding change: c.866C>T on transcript NM_021870.3 (MANE Select); coding-DNA position 866, C replaced by T.
Protein change: p.Ala289Val; replaces alanine 289 with valine.
Molecular consequence: missense variant.
Genome position (GRCh38, 1-based): chr4:154,606,968, G>A on the plus strand (C>T on the coding strand, the complement: FGG is on the minus strand). VCF-style: chr4-154606968-G-A. GRCh37 (hg19) VCF-style: chr4-155528120-G-A.
Other names: c.866C>T, p.Ala289Val (NM_000509.6); short protein forms A289V.
Identifiers: ClinVar variation 2655150 (VCV002655150.24), dbSNP rs2530856270, ClinGen allele CA358536122.